The following is an entry in ClinVar:

NM_015915.5(ATL1):c.1061C>T (p.Ala354Val)

Gene: ATL1 (atlastin GTPase 1; plus strand). Cytogenetic location: 14q22.1.
Variant type: single nucleotide variant.
Coding change: c.1061C>T on transcript NM_015915.5 (MANE Select); coding-DNA position 1061, C replaced by T.
Protein change: p.Ala354Val; replaces alanine 354 with valine.
Molecular consequence: missense variant.
Genome position (GRCh38, 1-based): chr14:50,623,190, C>T. VCF-style: chr14-50623190-C-T. GRCh37 (hg19) VCF-style: chr14-51089908-C-T.
Other names: c.1061C>T, p.Ala354Val (NM_001127713.1, NM_181598.4); short protein forms A354V.
Identifiers: ClinVar variation 1332905 (VCV001332905.3), dbSNP rs2039484269, ClinGen allele CA389674129.
Genomic context (GRCh38, chr14:50,623,190, plus strand): 5'-ATCAATATGAACTGCATTTTACATCATATTTTGTACTTTGTCCAAAGGCCACAGCAGAAG[C>T]TAACAATTTAGCAGCCGTGGCAACTGCCAAGGACACATACAACAAAAAAATGGAAGAGGT-3'
Protein context (NP_056999.2, residues 344-364): PKSMLQATAE[Ala354Val]NNLAAVATAK

ClinVar aggregate classification (germline): Uncertain significance (1 of 4 stars; one submission).

Allele frequency attached by ClinVar (database versions not stated): TOPMed below 0.00001.

Submission:

Centre of Medical Genetics, University Hospital Muenster
Classification: Uncertain significance. Last evaluated: 2021-12-04. Review status: criteria provided, single submitter. Criteria: ACMG Guidelines, 2015. Collection method: clinical testing. Allele origin: unknown. Affected: yes. Observed: 1 variant allele, 1 heterozygote.
Comment: ACMG categories: PM1,PM2,PP3